The following is an entry in ClinVar:

ClinVar aggregate classification (germline): Uncertain significance (1 of 4 stars; one submission).

Submission:

CeGaT Center for Human Genetics Tuebingen
Classification: Uncertain significance. Last evaluated: 2026-04-01. Review status: criteria provided, single submitter. Criteria: CeGaT Center For Human Genetics Tuebingen Variant Classification Criteria Version 2. Collection method: clinical testing. Allele origin: germline. Affected: yes. Observed: 1 variant allele.
Comment: LMNB1: PM2

NM_005573.4(LMNB1):c.1454C>T (p.Thr485Ile)

Gene: LMNB1 (lamin B1; plus strand). Cytogenetic location: 5q23.2.
Variant type: single nucleotide variant.
Coding change: c.1454C>T on transcript NM_005573.4 (MANE Select); coding-DNA position 1454, C replaced by T.
Protein change: p.Thr485Ile; replaces threonine 485 with isoleucine.
Molecular consequence: missense variant. On other transcripts: non-coding transcript variant (2).
Genome position (GRCh38, 1-based): chr5:126,822,848, C>T. VCF-style: chr5-126822848-C-T. GRCh37 (hg19) VCF-style: chr5-126158540-C-T.
Other names: c.824C>T, p.Thr275Ile (NM_001198557.2); short protein forms T275I, T485I.
Identifiers: ClinVar variation 4874665 (VCV004874665.2).